The following is an entry in ClinVar:

ClinVar aggregate classification (germline): Uncertain significance (1 of 4 stars; one submission).

Allele frequency attached by ClinVar (database versions not stated): gnomAD 0.00001; TOPMed 0.00001.
gnomAD v4.1: 51 of 1,613,034 alleles (0.0032%); highest among the groups gnomAD compares: South Asian, 0.0088%; no homozygotes.

Submission:

Labcorp Genetics (formerly Invitae), Labcorp
Classification: Uncertain significance. Last evaluated: 2022-05-18. Review status: criteria provided, single submitter. Criteria: Invitae Variant Classification Sherloc (09022015). Collection method: clinical testing. Allele origin: germline.
Comment: Algorithms developed to predict the effect of missense changes on protein structure and function output the following: SIFT: "Tolerated"; PolyPhen-2: "Benign"; Align-GVGD: "Class C0". The valine amino acid residue is found in multiple mammalian species, which suggests that this missense change does not adversely affect protein function. This variant has not been reported in the literature in individuals affected with LAMC3-related conditions. This variant is present in population databases (rs760455223, gnomAD 0.01%). This sequence change replaces methionine, which is neutral and non-polar, with valine, which is neutral and non-polar, at codon 864 of the LAMC3 protein (p.Met864Val). Algorithms developed to predict the effect of sequence changes on RNA splicing suggest that this variant may create or strengthen a splice site. In summary, the available evidence is currently insufficient to determine the role of this variant in disease. Therefore, it has been classified as a Variant of Uncertain Significance.

NM_006059.4(LAMC3):c.2590A>G (p.Met864Val)

Gene: LAMC3 (laminin subunit gamma 3; plus strand). Cytogenetic location: 9q34.12.
Variant type: single nucleotide variant.
Coding change: c.2590A>G on transcript NM_006059.4 (MANE Select); coding-DNA position 2590, A replaced by G.
Protein change: p.Met864Val; replaces methionine 864 with valine.
Molecular consequence: missense variant.
Genome position (GRCh38, 1-based): chr9:131,067,202, A>G. VCF-style: chr9-131067202-A-G. GRCh37 (hg19) VCF-style: chr9-133942589-A-G.
Other names: short protein forms M864V.
Identifiers: ClinVar variation 1951531 (VCV001951531.5), dbSNP rs760455223, ClinGen allele CA5287480.
Genomic context (GRCh38, chr9:131,067,202, plus strand): 5'-GAGCACTGTCAGGAAGGCTTCTACGGGAGCGCCCTGGCCCCTCGACCCGCAGACAAATGC[A>G]TGCGTGAGTACCTACCTCCAGACCCCAGGGTGGCACATGGTGGGCCCCTTCTCTTCTGCC-3'
Protein context (NP_006050.3, residues 854-874): ALAPRPADKC[Met864Val]PCSCHPQGSV